The following is an entry in ClinVar:

NM_004104.5(FASN):c.3359C>T (p.Thr1120Ile)

Gene: FASN (fatty acid synthase; minus strand). Cytogenetic location: 17q25.3.
Variant type: single nucleotide variant.
Coding change: c.3359C>T on transcript NM_004104.5 (MANE Select); coding-DNA position 3359, C replaced by T.
Protein change: p.Thr1120Ile; replaces threonine 1120 with isoleucine.
Molecular consequence: missense variant.
Genome position (GRCh38, 1-based): chr17:82,087,118, G>A on the plus strand (C>T on the coding strand, the complement: FASN is on the minus strand). VCF-style: chr17-82087118-G-A. GRCh37 (hg19) VCF-style: chr17-80044994-G-A.
Other names: short protein forms T1120I.
Identifiers: ClinVar variation 934171 (VCV000934171.11), dbSNP rs982432310, ClinGen allele CA295132454.

ClinVar aggregate classification (germline): Uncertain significance. Review status: criteria provided, multiple submitters, no conflicts (2 of 4 stars). 2 submissions from 2 submitters: Uncertain significance (2). Last evaluated 2025-01-30.

Conditions:
Epileptic encephalopathy. Identifiers: MedGen C0543888, HP:0200134.

Allele frequency attached by ClinVar (database versions not stated): gnomAD exomes below 0.00001 and 0.00003; gnomAD 0.00001; TOPMed 0.00001.

Submissions (2):

Ambry Genetics
Classification: Uncertain significance. Last evaluated: 2025-01-30. Review status: criteria provided, single submitter. Criteria: Ambry Variant Classification Scheme 2023. Collection method: clinical testing. Allele origin: germline.

Labcorp Genetics (formerly Invitae), Labcorp
Classification: Uncertain significance for Epileptic encephalopathy. Last evaluated: 2024-11-18. Review status: criteria provided, single submitter. Criteria: Invitae Variant Classification Sherloc (09022015). Collection method: clinical testing. Allele origin: germline.
Comment: This sequence change replaces threonine, which is neutral and polar, with isoleucine, which is neutral and non-polar, at codon 1120 of the FASN protein (p.Thr1120Ile). This variant is present in population databases (no rsID available, gnomAD 0.002%). This variant has not been reported in the literature in individuals affected with FASN-related conditions. ClinVar contains an entry for this variant (Variation ID: 934171). An algorithm developed to predict the effect of missense changes on protein structure and function (PolyPhen-2) suggests that this variant is likely to be tolerated. In summary, the available evidence is currently insufficient to determine the role of this variant in disease. Therefore, it has been classified as a Variant of Uncertain Significance.